The following is an entry in ClinVar:

NM_001199107.2(TBC1D24):c.1633A>T (p.Ile545Phe)

Gene: TBC1D24 (TBC1 domain family member 24; plus strand). Cytogenetic location: 16p13.3.
Variant type: single nucleotide variant.
Coding change: c.1633A>T on transcript NM_001199107.2 (MANE Select); coding-DNA position 1633, A replaced by T.
Protein change: p.Ile545Phe; replaces isoleucine 545 with phenylalanine.
Molecular consequence: missense variant.
Genome position (GRCh38, 1-based): chr16:2,500,911, A>T. VCF-style: chr16-2500911-A-T. GRCh37 (hg19) VCF-style: chr16-2550912-A-T.
Other names: c.1615A>T, p.Ile539Phe (NM_020705.3); short protein forms I539F, I545F.
Identifiers: ClinVar variation 1960476 (VCV001960476.13), dbSNP rs773874436, ClinGen allele CA7844364.

ClinVar aggregate classification (germline): Uncertain significance. Review status: criteria provided, multiple submitters, no conflicts (2 of 4 stars). 2 submissions from 2 submitters: Uncertain significance (2). Last evaluated 2025-06-01.

Conditions:
Autosomal dominant nonsyndromic hearing loss 65. Also called: Deafness, autosomal dominant 65; TBC1D24-Related Autosomal Dominant Nonsyndromic Hearing Loss (DFNA). Identifiers: Orphanet 90635, MedGen C3892048, MONDO:0014470, OMIM 616044.
Developmental and epileptic encephalopathy, 1 (DEE1). Also called: X-linked infantile spasms; West's syndrome; Tonic spasms with clustering, arrest of psychomotor development and hypsarrhythmia on EEG; X-Linked Infantile Spasm Syndrome; OHTAHARA SYNDROME, X-LINKED; INFANTILE SPASM SYNDROME, X-LINKED 1. Identifiers: MedGen C3463992, MONDO:0010632, OMIM 308350. Disease mechanism: loss of function.

gnomAD v4.1: 3 of 1,613,018 alleles (0.00019%); highest among the groups gnomAD compares: Non-Finnish European, 0.00025%; no homozygotes.

Submissions (2):

CeGaT Center for Human Genetics Tuebingen
Classification: Uncertain significance. Last evaluated: 2025-06-01. Review status: criteria provided, single submitter. Criteria: CeGaT Center For Human Genetics Tuebingen Variant Classification Criteria Version 2. Collection method: clinical testing. Allele origin: germline. Affected: yes. Observed: 1 variant allele.
Comment: TBC1D24: PM2, BP4

Labcorp Genetics (formerly Invitae), Labcorp
Classification: Uncertain significance for Developmental and epileptic encephalopathy, 1; Autosomal dominant nonsyndromic hearing loss 65. Last evaluated: 2022-07-30. Review status: criteria provided, single submitter. Criteria: Invitae Variant Classification Sherloc (09022015). Collection method: clinical testing. Allele origin: germline.
Comment: In summary, the available evidence is currently insufficient to determine the role of this variant in disease. Therefore, it has been classified as a Variant of Uncertain Significance. Advanced modeling of protein sequence and biophysical properties (such as structural, functional, and spatial information, amino acid conservation, physicochemical variation, residue mobility, and thermodynamic stability) performed at Invitae indicates that this missense variant is expected to disrupt TBC1D24 protein function. This variant has not been reported in the literature in individuals affected with TBC1D24-related conditions. This variant is present in population databases (rs773874436, gnomAD 0.0009%). This sequence change replaces isoleucine, which is neutral and non-polar, with phenylalanine, which is neutral and non-polar, at codon 545 of the TBC1D24 protein (p.Ile545Phe).